The following is an entry in ClinVar:

ClinVar aggregate classification (germline): Uncertain significance. Review status: criteria provided, multiple submitters, no conflicts (2 of 4 stars). 6 submissions from 6 submitters: Uncertain significance (3). 3 of the submissions do not count toward it. Last evaluated 2026-06-01.

Conditions:
Charcot-Marie-Tooth disease axonal type 2C (HMSN2C). Also called: CHARCOT-MARIE-TOOTH DISEASE, AXONAL, AUTOSOMAL DOMINANT, TYPE 2C; Charcot-Marie-Tooth Neuropathy Type 2C; Charcot-Marie-Tooth Disease Type 2, TRPV4-Related (CMT2C). Identifiers: Orphanet 99937, MedGen C1853710, MONDO:0011633, OMIM 606071.
Charcot-Marie-Tooth disease. Also called: Charcot-Marie-Tooth Hereditary Neuropathy; Charcot-Marie-Tooth Neuropathy. Identifiers: Orphanet 166, MedGen C0007959, MONDO:0015626.

Allele frequency attached by ClinVar (database versions not stated): gnomAD 0.00001; gnomAD exomes 0.00001.
gnomAD v4.1: 16 of 1,614,026 alleles (0.00099%); highest among the groups gnomAD compares: African/African-American, 0.0013%; no homozygotes.

Submissions (6):

CeGaT Center for Human Genetics Tuebingen
Classification: Uncertain significance. Last evaluated: 2026-06-01. Review status: criteria provided, single submitter. Criteria: CeGaT Center For Human Genetics Tuebingen Variant Classification Criteria Version 2. Collection method: clinical testing. Allele origin: germline. Affected: yes. Observed: 1 variant allele.
Comment: TRPV4: PM2

Labcorp Genetics (formerly Invitae), Labcorp
Classification: Uncertain significance for Charcot-Marie-Tooth disease axonal type 2C. Last evaluated: 2024-08-08. Review status: criteria provided, single submitter. Criteria: Invitae Variant Classification Sherloc (09022015). Collection method: clinical testing. Allele origin: germline.
Comment: This sequence change replaces arginine, which is basic and polar, with histidine, which is basic and polar, at codon 816 of the TRPV4 protein (p.Arg816His). This variant is present in population databases (no rsID available, gnomAD 0.003%). This variant has not been reported in the literature in individuals affected with TRPV4-related conditions. ClinVar contains an entry for this variant (Variation ID: 643814). Advanced modeling of protein sequence and biophysical properties (such as structural, functional, and spatial information, amino acid conservation, physicochemical variation, residue mobility, and thermodynamic stability) performed at Invitae indicates that this missense variant is not expected to disrupt TRPV4 protein function with a negative predictive value of 95%. In summary, the available evidence is currently insufficient to determine the role of this variant in disease. Therefore, it has been classified as a Variant of Uncertain Significance.

Molecular Genetics Laboratory, London Health Sciences Centre
Classification: Uncertain significance for Charcot-Marie-Tooth disease. Review status: criteria provided, single submitter. Criteria: ACMG Guidelines, 2015. Collection method: clinical testing. Allele origin: germline. Affected: yes.

Clinical Genetics, Academic Medical Center
Classification: Uncertain significance. Review status: no assertion criteria provided. Collection method: clinical testing. Allele origin: germline. Affected: yes. Study: VKGL Data-share Consensus. Not counted in ClinVar's aggregate classification.

Diagnostic Laboratory, Department of Genetics, University Medical Center Groningen
Classification: Uncertain significance. Review status: no assertion criteria provided. Collection method: clinical testing. Allele origin: germline. Affected: yes. Study: VKGL Data-share Consensus. Not counted in ClinVar's aggregate classification.

Joint Genome Diagnostic Labs from Nijmegen and Maastricht, Radboudumc and MUMC+
Classification: Uncertain significance. Review status: no assertion criteria provided. Collection method: clinical testing. Allele origin: germline. Affected: yes. Study: VKGL Data-share Consensus. Not counted in ClinVar's aggregate classification.

NM_021625.5(TRPV4):c.2447G>A (p.Arg816His)

Gene: TRPV4 (transient receptor potential cation channel subfamily V member 4; minus strand). Cytogenetic location: 12q24.11.
Variant type: single nucleotide variant.
Coding change: c.2447G>A on transcript NM_021625.5 (MANE Select); coding-DNA position 2447, G replaced by A.
Protein change: p.Arg816His; replaces arginine 816 with histidine.
Molecular consequence: missense variant.
Genome position (GRCh38, 1-based): chr12:109,784,327, C>T on the plus strand (G>A on the coding strand, the complement: TRPV4 is on the minus strand). VCF-style: chr12-109784327-C-T. GRCh37 (hg19) VCF-style: chr12-110222132-C-T.
Other names: c.2306G>A, p.Arg769His (NM_001177428.2); c.2345G>A, p.Arg782His (NM_001177431.2); c.2126G>A, p.Arg709His (NM_001177433.2); c.2267G>A, p.Arg756His (NM_147204.3); short protein forms R816H, R756H, R769H, R709H, R782H.
Identifiers: ClinVar variation 643814 (VCV000643814.15), dbSNP rs1431224527, ClinGen allele CA386648703.
Genomic context (GRCh38, chr12:109,784,327, plus strand): 5'-GTGATGAGAATGGACTGGGGCTCCCCTCCGCACCCGCCCCTCCACTCACCCCTGCGGAGG[C>T]GGCCCACGGTATGCGAGAAGCCATAATACTGGTAGGTCTCATTCTTGCCCGGGTCCTCGT-3'
Protein context (NP_067638.3, residues 806-826): QYYGFSHTVG[Arg816His]LRRDRWSSVV